The following is an entry in ClinVar:

NM_000059.4(BRCA2):c.3599G>A (p.Cys1200Tyr)

Gene: BRCA2 (BRCA2 DNA repair associated; plus strand). Cytogenetic location: 13q13.1.
Variant type: single nucleotide variant.
Coding change: c.3599G>A on transcript NM_000059.4 (MANE Select); coding-DNA position 3599, G replaced by A.
Protein change: p.Cys1200Tyr; replaces cysteine 1200 with tyrosine.
Molecular consequence: missense variant.
Genome position (GRCh38, 1-based): chr13:32,337,954, G>A. VCF-style: chr13-32337954-G-A. GRCh37 (hg19) VCF-style: chr13-32912091-G-A.
Other names: short protein forms C1200Y.
Identifiers: ClinVar variation 462300 (VCV000462300.13), dbSNP rs1555283305, ClinGen allele CA387777490.

ClinVar aggregate classification (germline): Conflicting classifications of pathogenicity. Review status: criteria provided, conflicting classifications (1 of 4 stars). 3 submissions from 3 submitters: Uncertain significance (2); Likely benign (1). Last evaluated 2026-03-12.

Conditions:
Hereditary breast ovarian cancer syndrome. Also called: Breast and ovarian cancer; BRCA1- and BRCA2-Associated Hereditary Breast and Ovarian Cancer; Hereditary breast and ovarian cancer; Hereditary breast and/or ovarian cancer syndrome; Hereditary breast and ovarian cancer syndrome; Hereditary breast and ovarian cancer syndrome (HBOC). Identifiers: Orphanet 145, MedGen C0677776, MeSH D061325, MONDO:0003582. Disease mechanism: loss of function.
Hereditary cancer-predisposing syndrome. Also called: Neoplastic Syndromes, Hereditary; Tumor predisposition; Hereditary neoplastic syndrome; Hereditary Cancer Syndrome. Identifiers: Orphanet 140162, MedGen C0027672, MeSH D009386, MONDO:0015356.

Submissions (3):

Ambry Genetics
Classification: Uncertain significance for Hereditary cancer-predisposing syndrome. Last evaluated: 2026-03-12. Review status: criteria provided, single submitter. Criteria: Ambry Variant Classification Scheme 2023. Collection method: clinical testing. Allele origin: germline.
Comment: The p.C1200Y variant (also known as c.3599G>A), located in coding exon 10 of the BRCA2 gene, results from a G to A substitution at nucleotide position 3599. The cysteine at codon 1200 is replaced by tyrosine, an amino acid with highly dissimilar properties. This amino acid position is not well conserved in available vertebrate species. In addition, this alteration is predicted to be tolerated by in silico analysis. Based on the available evidence, the clinical significance of this variant remains unclear.

Labcorp Genetics (formerly Invitae), Labcorp
Classification: Uncertain significance for Hereditary breast ovarian cancer syndrome. Last evaluated: 2024-10-23. Review status: criteria provided, single submitter. Criteria: Invitae Variant Classification Sherloc (09022015). Collection method: clinical testing. Allele origin: germline.
Comment: This sequence change replaces cysteine, which is neutral and slightly polar, with tyrosine, which is neutral and polar, at codon 1200 of the BRCA2 protein (p.Cys1200Tyr). This variant is not present in population databases (gnomAD no frequency). This variant has not been reported in the literature in individuals affected with BRCA2-related conditions. ClinVar contains an entry for this variant (Variation ID: 462300). Invitae Evidence Modeling of protein sequence and biophysical properties (such as structural, functional, and spatial information, amino acid conservation, physicochemical variation, residue mobility, and thermodynamic stability) indicates that this missense variant is not expected to disrupt BRCA2 protein function with a negative predictive value of 95%. In summary, the available evidence is currently insufficient to determine the role of this variant in disease. Therefore, it has been classified as a Variant of Uncertain Significance.

University of Washington Department of Laboratory Medicine, University of Washington
Classification: Likely benign for Hereditary cancer-predisposing syndrome. Last evaluated: 2023-03-23. Review status: criteria provided, single submitter. Criteria: Dines et al. (Genet Med. 2020). Collection method: curation. Allele origin: germline.
Comment: Missense variant in a coldspot region where missense variants are very unlikely to be pathogenic (PMID:31911673).

BRCA2 exon 11 coldspot. Reclassification based on statistical prior probability.